The following is an entry in ClinVar:

ClinVar aggregate classification (germline): Uncertain significance. Review status: criteria provided, multiple submitters, no conflicts (2 of 4 stars). 3 submissions from 3 submitters: Uncertain significance (3). Last evaluated 2025-09-22.

Conditions:
FG syndrome (FGS). Identifiers: MedGen C0220769, MONDO:0002010.
MED12-related intellectual disability syndrome. Identifiers: MedGen CN305246, MONDO:0100000.

Allele frequency attached by ClinVar (database versions not stated): gnomAD exomes 0.00001; gnomAD 0.00002; TOPMed 0.00002.
gnomAD v4.1: 12 of 1,209,955 alleles (0.00099%); highest among the groups gnomAD compares: African/African-American, 0.0018%; no homozygotes.

Submissions (4):

Labcorp Genetics (formerly Invitae), Labcorp
Classification: Uncertain significance for FG syndrome. Last evaluated: 2025-09-22. Review status: criteria provided, single submitter. Criteria: Invitae Variant Classification Sherloc (09022015). Collection method: clinical testing. Allele origin: germline.
Comment: This sequence change replaces arginine, which is basic and polar, with serine, which is neutral and polar, at codon 1070 of the MED12 protein (p.Arg1070Ser). This variant is present in population databases (no rsID available, gnomAD 0.02%), including at least one homozygous and/or hemizygous individual. This variant has not been reported in the literature in individuals affected with MED12-related conditions. ClinVar contains an entry for this variant (Variation ID: 213638). An algorithm developed to predict the effect of missense changes on protein structure and function (PolyPhen-2) suggests that this variant is likely to be disruptive. In summary, the available evidence is currently insufficient to determine the role of this variant in disease. Therefore, it has been classified as a Variant of Uncertain Significance.

Victorian Clinical Genetics Services, Murdoch Childrens Research Institute
Classification: Uncertain significance for MED12-related intellectual disability syndrome. Last evaluated: 2023-07-17. Review status: criteria provided, single submitter. Criteria: ACMG Guidelines, 2015. Collection method: clinical testing. Allele origin: germline. Inheritance: X-linked inheritance. Affected: yes.
Comment: Based on the classification scheme VCGS_Germline_v1.3.4, this variant is classified as VUS-3C. Following criteria are met: 0102 - Loss of function is a known mechanism of disease in this gene and is associated with Lujan-Fryns syndrome (MIM#309520), Ohdo syndrome (MIM#300895), Opitz-Kaveggia syndrome (MIM#305450) and Hardikar syndrome (MIM#301068). (I) 0109 - This gene is associated with X-linked recessive disease. However, females with de novo variants resulting in a premature termination codon, have been reported with severe disease onset and heavily skewed X-inactivation. Carriers of missense variants have variable presentations, with some mildly affected and others asymptomatic (OMIM, PMIDs: 32174975, 30006928, 33244166). 0115 - Variants in this gene are known to have variable expressivity. Features can be variable (OMIM, GeneReviews). In addition, some females carriers have been described with features and skewed X-inactivation (GeneReviews). (I) 0200 - Variant is predicted to result in a missense amino acid change from arginine to serine. (I) 0253 - This variant is hemizygous. (I) 0302 - Variant is present in gnomAD <0.001 for a dominant condition (v2 & v3: 1 heterozygote, 0 homozygotes, 1 hemizygote). (SP) 0501 - Missense variant consistently predicted to be damaging by multiple in silico tools or highly conserved with a major amino acid change. (SP) 0604 - Variant is not located in an established domain, motif, hotspot or informative constraint region. (I) 0705 - No comparable missense variants have previous evidence for pathogenicity. (I) 0809 - Previous evidence of pathogenicity for this variant is inconclusive. This variant has been classified twice as a VUS (ClinVar). (I) 0906 - Segregation evidence for this variant is inconclusive. (I) 1007 - No published functional evidence has been identified for this variant. (I) Legend: (SP) - Supporting pathogenic, (I) - Information, (SB) - Supporting benign

GeneDx
Classification: Uncertain significance. Last evaluated: 2014-05-21. Review status: criteria provided, single submitter. Criteria: GeneDx Variant Classification (06012015). Collection method: clinical testing. Allele origin: germline. Affected: yes.
Comment: p.Arg1070Ser (AGG>AGT): c.3210 G>T in exon 23 of the MED12 gene (NM_005120.2) The R1070S variant of unknown significance in the MED12 gene has not been published as a mutation, nor has it been reported as a benign polymorphism to our knowledge. The R1070S variant was not observed in approximately 6000 individuals of European and African American ancestry in the NHLBI Exome Sequencing Project, indicating it is not a common benign variant in these populations. The R1070S variant is a semi-conservative amino acid substitution, which may impact secondary protein structure as these residues differ in some properties. This substitution occurs at a position that is conserved across species. In silico analysis predicts this variant is probably damaging to the protein structure/function. However, missense mutations in nearby residues have not been reported indicating this region of the protein may tolerate change. Therefore, based on the currently available information, it is unclear whether this variant is a pathogenic mutation or a rare benign variant. This variant was found in TAAD

Dr. Peter K. Rogan Lab, Western University
No classification provided (evidence only). Condition: Thyroid cancer, nonmedullary, 1. Review status: no classification provided. Collection method: in vitro. Allele origin: not applicable. Functional consequence: retained intron. Not counted in ClinVar's aggregate classification.

Literature cited by the submitters: PubMed 30006928 (cited by Victorian Clinical Genetics Services, Murdoch Childrens Research Institute); PubMed 32174975 (cited by Victorian Clinical Genetics Services, Murdoch Childrens Research Institute); PubMed 33244166 (cited by Victorian Clinical Genetics Services, Murdoch Childrens Research Institute).

NM_005120.3(MED12):c.3210G>T (p.Arg1070Ser)

Gene: MED12 (mediator complex subunit 12; plus strand). Cytogenetic location: Xq13.1.
Variant type: single nucleotide variant.
Coding change: c.3210G>T on transcript NM_005120.3 (MANE Select); coding-DNA position 3210, G replaced by T.
Protein change: p.Arg1070Ser; replaces arginine 1070 with serine.
Molecular consequence: missense variant.
Genome position (GRCh38, 1-based): chrX:71,128,296, G>T. VCF-style: chrX-71128296-G-T. GRCh37 (hg19) VCF-style: chrX-70348146-G-T.
Other names: short protein forms R1070S.
Identifiers: ClinVar variation 213638 (VCV000213638.13), dbSNP rs863223704, ClinGen allele CA321499.
Genomic context (GRCh38, chrX:71,128,296, plus strand): 5'-AATGGGTCTGAGGTTTTGTGGAGCAAGGTTTTTCCTGAGGGCATTTGTACTTTTCCCTAG[G>T]GTGAATGACATCGCAATCCTGTGTGCAGAGCTGACCGGCTATTGCAAGTCACTGAGTGCA-3'
Protein context (NP_005111.2, residues 1060-1080): HVCVGHHDPD[Arg1070Ser]VNDIAILCAE